The following is an entry in ClinVar:

NM_014806.5(RUSC2):c.2764C>T (p.Arg922Trp)

Gene: RUSC2 (RUN and SH3 domain containing 2; plus strand). Cytogenetic location: 9p13.3.
Variant type: single nucleotide variant.
Coding change: c.2764C>T on transcript NM_014806.5 (MANE Select); coding-DNA position 2764, C replaced by T.
Protein change: p.Arg922Trp; replaces arginine 922 with tryptophan.
Molecular consequence: missense variant. On other transcripts: non-coding transcript variant (1).
Genome position (GRCh38, 1-based): chr9:35,556,059, C>T. VCF-style: chr9-35556059-C-T. GRCh37 (hg19) VCF-style: chr9-35556056-C-T.
Other names: c.2764C>T, p.Arg922Trp (NM_001135999.2); c.130C>T, p.Arg44Trp (NM_001330740.2); short protein forms R922W, R44W.
Identifiers: ClinVar variation 1519590 (VCV001519590.5), dbSNP rs776792847, ClinGen allele CA5043950.

ClinVar aggregate classification (germline): Uncertain significance (1 of 4 stars; one submission).

Allele frequency attached by ClinVar (database versions not stated): gnomAD 0.00001 and 0.00004; TOPMed 0.00002; gnomAD exomes 0.00004 and 0.00007; ExAC 0.00007.
gnomAD v4.1: 62 of 1,614,074 alleles (0.0038%); highest among the groups gnomAD compares: South Asian, 0.052%; no homozygotes.

Submission:

Labcorp Genetics (formerly Invitae), Labcorp
Classification: Uncertain significance. Last evaluated: 2022-07-28. Review status: criteria provided, single submitter. Criteria: Invitae Variant Classification Sherloc (09022015). Collection method: clinical testing. Allele origin: germline.
Comment: This sequence change replaces arginine, which is basic and polar, with tryptophan, which is neutral and slightly polar, at codon 922 of the RUSC2 protein (p.Arg922Trp). This variant is present in population databases (rs776792847, gnomAD 0.05%). This variant has not been reported in the literature in individuals affected with RUSC2-related conditions. ClinVar contains an entry for this variant (Variation ID: 1519590). Algorithms developed to predict the effect of missense changes on protein structure and function output the following: SIFT: "Tolerated"; PolyPhen-2: "Possibly Damaging"; Align-GVGD: "Class C0". The tryptophan amino acid residue is found in multiple mammalian species, which suggests that this missense change does not adversely affect protein function. In summary, the available evidence is currently insufficient to determine the role of this variant in disease. Therefore, it has been classified as a Variant of Uncertain Significance.